The following is an entry in ClinVar:

ClinVar aggregate classification (germline): Likely benign (1 of 4 stars; one submission).

Allele frequency attached by ClinVar (database versions not stated): ExAC 0.00001; gnomAD 0.00005; ESP Exome Variant Server 0.00008; gnomAD exomes 0.00008; 1000 Genomes Project 0.00020; 1000 Genomes Project 30x 0.00031.
gnomAD v4.1: 130 of 1,611,482 alleles (0.0081%); highest among the groups gnomAD compares: Middle Eastern, 0.033%; no homozygotes.

Submission:

CeGaT Center for Human Genetics Tuebingen
Classification: Likely benign. Last evaluated: 2022-05-01. Review status: criteria provided, single submitter. Criteria: CeGaT Center For Human Genetics Tuebingen Variant Classification Criteria Version 2. Collection method: clinical testing. Allele origin: germline. Affected: yes. Observed: 1 variant allele.
Comment: CRELD2: BP4, BP7

NM_024324.5(CRELD2):c.747C>T (p.Asn249=)

Gene: CRELD2 (CRELD disulfide isomerase 2; plus strand). Cytogenetic location: 22q13.33.
Variant type: single nucleotide variant.
Coding change: c.747C>T on transcript NM_024324.5 (MANE Select); coding-DNA position 747, C replaced by T.
Protein change: p.Asn249=; no amino-acid change (asparagine 249 retained).
Molecular consequence: synonymous variant. On other transcripts: non-coding transcript variant (1), intron variant (1).
Genome position (GRCh38, 1-based): chr22:49,923,292, C>T. VCF-style: chr22-49923292-C-T. GRCh37 (hg19) VCF-style: chr22-50316940-C-T.
Other names: c.894C>T, p.Asn298= (NM_001135101.3); c.747C>T, p.Asn249= (NM_001284318.2); c.688+585C>T (NM_001284317.2).
Identifiers: ClinVar variation 2653355 (VCV002653355.24), dbSNP rs200705804, ClinGen allele CA10301142.